The following is an entry in ClinVar:

ClinVar aggregate classification (germline): Uncertain significance (1 of 4 stars; one submission).

Conditions:
Combined immunodeficiency due to DOCK8 deficiency (HIES2). Also called: Hyper-IgE recurrent infection syndrome, autosomal recessive; HIES autosomal recessive; DOCK8 Deficiency; HYPER-IgE RECURRENT INFECTION SYNDROME 2, AUTOSOMAL RECESSIVE; HYPER-IgE SYNDROME 2, AUTOSOMAL RECESSIVE, WITH RECURRENT INFECTIONS. Identifiers: Orphanet 217390, MedGen C4722305, MONDO:0009478, OMIM 243700.

Submission:

Labcorp Genetics (formerly Invitae), Labcorp
Classification: Uncertain significance for Combined immunodeficiency due to DOCK8 deficiency. Last evaluated: 2022-08-19. Review status: criteria provided, single submitter. Criteria: Invitae Variant Classification Sherloc (09022015). Collection method: clinical testing. Allele origin: germline.
Comment: This variant results in a copy number gain of the genomic region encompassing exon(s) 1-26 of the DOCK8 gene. This region includes the initiator codon of the gene. This copy number gain extends beyond the assayed region for this gene and therefore may encompass additional genes. As the precise location of this event is unknown, it may be in tandem or it may be located elsewhere in the genome. This variant has not been reported in the literature in individuals affected with DOCK8-related conditions. Experimental studies and prediction algorithms are not available or were not evaluated, and the functional significance of this variant is currently unknown. In summary, the available evidence is currently insufficient to determine the role of this variant in disease. Therefore, it has been classified as a Variant of Uncertain Significance.

NC_000009.11:g.(?_214977)_(399279_?)dup

Genes: DOCK8 (dedicator of cytokinesis 8; plus strand), DOCK8-AS1 (DOCK8 antisense RNA 1; minus strand). Cytogenetic location: 9p24.3.
Variant type: Duplication.
Identifiers: ClinVar variation 1038174 (VCV001038174.9).